The following is an entry in ClinVar:

NM_000784.4(CYP27A1):c.1569C>T (p.Gly523=)

Gene: CYP27A1 (cytochrome P450 family 27 subfamily A member 1; plus strand). Cytogenetic location: 2q35.
Variant type: single nucleotide variant.
Coding change: c.1569C>T on transcript NM_000784.4 (MANE Select); coding-DNA position 1569, C replaced by T.
Protein change: p.Gly523=; no amino-acid change (glycine 523 retained).
Molecular consequence: synonymous variant.
Genome position (GRCh38, 1-based): chr2:218,815,003, C>T. VCF-style: chr2-218815003-C-T. GRCh37 (hg19) VCF-style: chr2-219679726-C-T.
Identifiers: ClinVar variation 598100 (VCV000598100.17), dbSNP rs748616891, ClinGen allele CA2112944.

ClinVar aggregate classification (germline): Conflicting classifications of pathogenicity. Review status: criteria provided, conflicting classifications (1 of 4 stars). 4 submissions from 4 submitters: Uncertain significance (1); Likely benign (2). 1 of the submissions does not count toward it. Last evaluated 2026-01-12.

Conditions:
Cholestanol storage disease (CTX). Also called: Cerebrotendinous Xanthomatosis; CTX: Cerebrotendinous xanthomatosis; CEREBRAL CHOLESTERINOSIS. Identifiers: Orphanet 909, MedGen C0238052, MONDO:0008948, OMIM 213700.
CYP27A1-related disorder. Also called: CYP27A1-related condition.
Cardiovascular phenotype. Identifiers: MedGen CN230736.

Allele frequency attached by ClinVar (database versions not stated): gnomAD exomes 0.00001; ExAC 0.00002; gnomAD 0.00004; TOPMed 0.00005.
gnomAD v4.1: 14 of 1,614,050 alleles (0.00087%); highest among the groups gnomAD compares: African/African-American, 0.017%; no homozygotes.

Submissions (4):

Labcorp Genetics (formerly Invitae), Labcorp
Classification: Likely benign for Cholestanol storage disease. Last evaluated: 2026-01-12. Review status: criteria provided, single submitter. Criteria: Invitae Variant Classification Sherloc (09022015). Collection method: clinical testing. Allele origin: germline.

Ambry Genetics
Classification: Likely benign for Cardiovascular phenotype. Last evaluated: 2022-07-10. Review status: criteria provided, single submitter. Criteria: Ambry Variant Classification Scheme 2023. Collection method: clinical testing. Allele origin: germline.

Eurofins Ntd Llc (ga)
Classification: Uncertain significance. Last evaluated: 2018-07-23. Review status: criteria provided, single submitter. Criteria: EGL ClinVar v180209 classification definitions. Collection method: clinical testing. Allele origin: germline. Observed: 1 variant allele, 1 heterozygote.

PreventionGenetics, part of Exact Sciences
Classification: Likely benign for CYP27A1-related condition. Last evaluated: 2021-03-11. Review status: no assertion criteria provided. Collection method: clinical testing. Allele origin: germline. Not counted in ClinVar's aggregate classification.
Comment: This variant is classified as likely benign based on ACMG/AMP sequence variant interpretation guidelines (Richards et al. 2015 PMID: 25741868, with internal and published modifications).